The following is an entry in ClinVar:

NM_007129.5(ZIC2):c.1257_1258delinsAA (p.Gln420Lys)

Gene: ZIC2 (Zic family zinc finger 2; plus strand). Cytogenetic location: 13q32.3.
Variant type: Indel.
Coding change: c.1257_1258delinsAA on transcript NM_007129.5 (MANE Select); coding-DNA positions 1257 to 1258, GC replaced by AA.
Protein change: p.Gln420Lys; replaces glutamine 420 with lysine.
Molecular consequence: missense variant.
Genome position (GRCh38, 1-based): chr13:99,985,340-99,985,341, GC replaced by AA. VCF-style: chr13-99985340-GC-AA. GRCh37 (hg19) VCF-style: chr13-100637594-GC-AA.
Other names: short protein forms Q420K.
Identifiers: ClinVar variation 1425227 (VCV001425227.6), dbSNP rs2152163712, ClinGen allele CA2573149786.
Genomic context (GRCh38, chr13:99,985,340, plus strand): 5'-ACCCAGTCCCCTCTGGTCCCCCCTCCCGGCTTTTGTCTTGCAGGTCCATGAGTCCTCCCC[GC>AA]AGGGCTCTGAATCCTCCCCGGCCGCCAGCTCCGGCTATGAGTCGTCCACGCCCCCGGGGC-3'
Protein context (NP_009060.2, residues 410-430): KHMKVHESSP[Gln420Lys]GSESSPAASS

ClinVar aggregate classification (germline): Uncertain significance (1 of 4 stars; one submission).

Conditions:
Holoprosencephaly 5 (HPE5). Identifiers: Orphanet 2162, MedGen C1864827, MONDO:0012322, OMIM 609637.

Submission:

Labcorp Genetics (formerly Invitae), Labcorp
Classification: Uncertain significance for Holoprosencephaly 5. Last evaluated: 2023-10-10. Review status: criteria provided, single submitter. Criteria: Invitae Variant Classification Sherloc (09022015). Collection method: clinical testing. Allele origin: germline.
Comment: This sequence change replaces glutamine, which is neutral and polar, with lysine, which is basic and polar, at codon 420 of the ZIC2 protein (p.Gln420Lys). Information on the frequency of this variant in the gnomAD database is not available, as this variant may be reported differently in the database. This variant has not been reported in the literature in individuals affected with ZIC2-related conditions. ClinVar contains an entry for this variant (Variation ID: 1425227). Experimental studies and prediction algorithms are not available or were not evaluated, and the functional significance of this variant is currently unknown. In summary, the available evidence is currently insufficient to determine the role of this variant in disease. Therefore, it has been classified as a Variant of Uncertain Significance.